The following is an entry in ClinVar:

ClinVar aggregate classification (germline): Pathogenic (1 of 4 stars; one submission).

Conditions:
Primary ciliary dyskinesia. Also called: Ciliary dyskinesia. Identifiers: Orphanet 244, MedGen C0008780, MONDO:0016575, HP:0012265.

Submission:

Labcorp Genetics (formerly Invitae), Labcorp
Classification: Pathogenic for Primary ciliary dyskinesia. Last evaluated: 2023-02-11. Review status: criteria provided, single submitter. Criteria: Invitae Variant Classification Sherloc (09022015). Collection method: clinical testing. Allele origin: germline.
Comment: For these reasons, this variant has been classified as Pathogenic. Retrotransposon insertions including LINE1 (L1), Alu, and SVA (SINE-VNTR-Alu) have been reported to be disease-causing through disruption of either a coding region or splice site (PMID: 19763152, 20307669, 22406018) and loss-of-function variants in DNAH11 are known to be pathogenic (PMID: 18022865, 20513915, 22184204). Algorithms developed to predict the effect of sequence changes on RNA splicing suggest that this variant may disrupt the consensus splice site. This variant has not been reported in the literature in individuals affected with DNAH11-related conditions. This variant is not present in population databases (gnomAD no frequency). This sequence change inserts a large fragment of DNA, likely a transposable element, in exon 43 of the DNAH11 gene (c.7101_7102ins?), causing a frameshift at codon 2368 (p.Ile2368fs). The exact size and sequence of the insertion cannot be determined by the current assay. However, the insertion is expected to result in an absent or disrupted protein product.

Literature cited by the submitters: PubMed 19763152; PubMed 20307669; PubMed 22406018; PubMed 18022865; PubMed 20513915; PubMed 22184204.

NM_001277115.2(DNAH11):c.7101_7102insTGTGGTGGGGTCGGGGGAGGGGGGAGGGATAGCATTGGGAGATATACCTAATGCTAGATGACACANNNNNNNNNNAAAAAAAAAAAAAAAAAAAAAAAACC (p.Ile2368delinsCysGlyGlyValGlyGlyGlyGlyArgAspSerIleGlyArgTyrThrTer)

Gene: DNAH11 (dynein axonemal heavy chain 11; plus strand). Cytogenetic location: 7p15.3.
Variant type: Microsatellite.
Coding change: c.7101_7102insTGTGGTGGGGTCGGGGGAGGGGGGAGGGATAGCATTGGGAGATATACCTAATGCTAGATGACACANNNNNNNNNNAAAAAAAAAAAAAAAAAAAAAAAACC on transcript NM_001277115.2 (MANE Select); coding-DNA positions 7101 to 7102, TGTGGTGGGGTCGGGGGAGGGGGGAGGGATAGCATTGGGAGATATACCTAATGCTAGATGACACANNNNNNNNNNAAAAAAAAAAAAAAAAAAAAAAAACC inserted.
Protein change: p.Ile2368delinsCysGlyGlyValGlyGlyGlyGlyArgAspSerIleGlyArgTyrThrTer.
Molecular consequence: nonsense. On other transcripts: frameshift variant (1).
Genome position: GRCh38: chr7:21,717,887-21,717,892. GRCh37 (hg19), VCF-style position (the base before the change): chr7:21,757,504.
Other names: c.7117_7122A[4][1], p.Thr2374Asnfs (NM_003777.3).
Identifiers: ClinVar variation 2836535 (VCV002836535.3).